The following is an entry in ClinVar:

NM_005070.4(SLC4A3):c.2641G>A (p.Glu881Lys)

Gene: SLC4A3 (solute carrier family 4 member 3; plus strand). Cytogenetic location: 2q35.
Variant type: single nucleotide variant.
Coding change: c.2641G>A on transcript NM_005070.4 (MANE Select); coding-DNA position 2641, G replaced by A.
Protein change: p.Glu881Lys; replaces glutamic acid 881 with lysine.
Molecular consequence: missense variant. On other transcripts: non-coding transcript variant (1).
Genome position (GRCh38, 1-based): chr2:219,637,686, G>A. VCF-style: chr2-219637686-G-A. GRCh37 (hg19) VCF-style: chr2-220502408-G-A.
Other names: c.2722G>A, p.Glu908Lys (NM_001326559.2, NM_201574.3); c.2641G>A (NM_005070.3); short protein forms E908K, E881K.
Identifiers: ClinVar variation 2464355 (VCV002464355.4), dbSNP rs140581019, ClinGen allele CA2134270.

ClinVar aggregate classification (germline): Conflicting classifications of pathogenicity. Review status: criteria provided, conflicting classifications (1 of 4 stars). 2 submissions from 2 submitters: Uncertain significance (1); Likely benign (1). Last evaluated 2025-04-11.

Conditions:
Inborn genetic diseases. Identifiers: MedGen C0950123, MeSH D030342.

Allele frequency attached by ClinVar (database versions not stated): gnomAD exomes 0.00004; ExAC 0.00006; 1000 Genomes Project 30x 0.00016; 1000 Genomes Project 0.00020; gnomAD 0.00028; ESP Exome Variant Server 0.00031; TOPMed 0.00034.
gnomAD v4.1: 105 of 1,612,536 alleles (0.0065%); highest among the groups gnomAD compares: African/African-American, 0.1%; no homozygotes.

Submissions (2):

Ambry Genetics
Classification: Uncertain significance for Inborn genetic diseases. Last evaluated: 2025-04-11. Review status: criteria provided, single submitter. Criteria: Ambry Variant Classification Scheme 2023. Collection method: clinical testing. Allele origin: germline.

Molecular Diagnostic Laboratory for Inherited Cardiovascular Disease, Montreal Heart Institute
Classification: Likely benign. Last evaluated: 2025-04-09. Review status: criteria provided, single submitter. Criteria: ACMG Guidelines, 2015. Collection method: clinical testing. Allele origin: germline. Affected: no.
Comment: BS1;BP4